The following is an entry in ClinVar:

NM_012233.3(RAB3GAP1):c.1634A>G (p.Tyr545Cys)

Gene: RAB3GAP1 (RAB3 GTPase activating protein catalytic subunit 1; plus strand). Cytogenetic location: 2q21.3.
Variant type: single nucleotide variant.
Coding change: c.1634A>G on transcript NM_012233.3 (MANE Select); coding-DNA position 1634, A replaced by G.
Protein change: p.Tyr545Cys; replaces tyrosine 545 with cysteine.
Molecular consequence: missense variant.
Genome position (GRCh38, 1-based): chr2:135,135,643, A>G. VCF-style: chr2-135135643-A-G. GRCh37 (hg19) VCF-style: chr2-135893213-A-G.
Other names: c.1634A>G, p.Tyr545Cys (NM_001172435.2); short protein forms Y545C.
Identifiers: ClinVar variation 3150728 (VCV003150728.2), dbSNP rs757429245, ClinGen allele CA1884896.
Genomic context (GRCh38, chr2:135,135,643, plus strand): 5'-AAAGAAAGAAGGCACGTGATGAGGGGAAAAAGACAAGTGCTTCAGATGTCACTAATATAT[A>G]TCCAGGGGATGCTGGAAAAGCAGGAGACCAGTTGGTGCCAGATAATCTAAAAGAAACAGA-3'
Protein context (NP_036365.1, residues 535-555): KTSASDVTNI[Tyr545Cys]PGDAGKAGDQ

ClinVar aggregate classification (germline): Uncertain significance. Review status: criteria provided, multiple submitters, no conflicts (2 of 4 stars). 2 submissions from 2 submitters: Uncertain significance (2). Last evaluated 2025-02-26.

Conditions:
Inborn genetic diseases. Identifiers: MedGen C0950123, MeSH D030342.

Allele frequency attached by ClinVar (database versions not stated): gnomAD 0.00001; gnomAD exomes 0.00001; TOPMed 0.00001; ExAC 0.00002.
gnomAD v4.1: 12 of 1,613,304 alleles (0.00074%); highest among the groups gnomAD compares: Non-Finnish European, 0.001%; no homozygotes.

Submissions (2):

Labcorp Genetics (formerly Invitae), Labcorp
Classification: Uncertain significance. Last evaluated: 2025-02-26. Review status: criteria provided, single submitter. Criteria: Invitae Variant Classification Sherloc (09022015). Collection method: clinical testing. Allele origin: germline.
Comment: This sequence change replaces tyrosine, which is neutral and polar, with cysteine, which is neutral and slightly polar, at codon 545 of the RAB3GAP1 protein (p.Tyr545Cys). This variant is present in population databases (rs757429245, gnomAD 0.004%). This variant has not been reported in the literature in individuals affected with RAB3GAP1-related conditions. ClinVar contains an entry for this variant (Variation ID: 3150728). Invitae Evidence Modeling of protein sequence and biophysical properties (such as structural, functional, and spatial information, amino acid conservation, physicochemical variation, residue mobility, and thermodynamic stability) indicates that this missense variant is not expected to disrupt RAB3GAP1 protein function with a negative predictive value of 80%. In summary, the available evidence is currently insufficient to determine the role of this variant in disease. Therefore, it has been classified as a Variant of Uncertain Significance.

Ambry Genetics
Classification: Uncertain significance for Inborn genetic diseases. Last evaluated: 2023-12-20. Review status: criteria provided, single submitter. Criteria: Ambry Variant Classification Scheme 2023. Collection method: clinical testing. Allele origin: germline.